The following is an entry in ClinVar:

NM_002941.4(ROBO1):c.1752T>C (p.Asn584=)

Gene: ROBO1 (roundabout guidance receptor 1; minus strand). Cytogenetic location: 3p12.3.
Variant type: single nucleotide variant.
Coding change: c.1752T>C on transcript NM_002941.4 (MANE Select); coding-DNA position 1752, T replaced by C.
Protein change: p.Asn584=; no amino-acid change (asparagine 584 retained).
Molecular consequence: synonymous variant.
Genome position (GRCh38, 1-based): chr3:78,668,181, A>G on the plus strand (T>C on the coding strand, the complement: ROBO1 is on the minus strand). VCF-style: chr3-78668181-A-G. GRCh37 (hg19) VCF-style: chr3-78717331-A-G.
Other names: c.1644T>C, p.Asn548= (NM_001145845.2, NM_133631.4).
Identifiers: ClinVar variation 728941 (VCV000728941.11), dbSNP rs74715114, ClinGen allele CA2498875.

ClinVar aggregate classification (germline): Benign/Likely benign. Review status: criteria provided, multiple submitters, no conflicts (2 of 4 stars). 3 submissions from 3 submitters: Benign (2); Likely benign (1). Last evaluated 2026-01-15.

Conditions:
ROBO1-related disorder. Also called: ROBO1-related condition.

Allele frequency attached by ClinVar (database versions not stated): ESP Exome Variant Server 0.00269; 1000 Genomes Project 0.00080; 1000 Genomes Project 30x 0.00094; gnomAD 0.00237 and 0.00261; TOPMed 0.00259.
gnomAD v4.1: 702 of 1,613,464 alleles (0.044%); highest among the groups gnomAD compares: African/African-American, 0.81%; 6 homozygotes.

Submissions (3):

Labcorp Genetics (formerly Invitae), Labcorp
Classification: Benign. Last evaluated: 2026-01-15. Review status: criteria provided, single submitter. Criteria: Invitae Variant Classification Sherloc (09022015). Collection method: clinical testing. Allele origin: germline.

PreventionGenetics, part of Exact Sciences
Classification: Likely benign for ROBO1-related condition. Last evaluated: 2025-04-21. Review status: criteria provided, single submitter. Criteria: ACMG Guidelines, 2015. Collection method: clinical testing. Allele origin: germline.
Comment: This variant is classified as likely benign based on ACMG/AMP sequence variant interpretation guidelines (Richards et al. 2015 PMID: 25741868, with internal and published modifications).

Breakthrough Genomics
Classification: Benign. Review status: criteria provided, single submitter. Criteria: ACMG Guidelines, 2015. Collection method: not provided. Allele origin: germline. Inheritance: Unknown mechanism. Affected: yes.